The following is an entry in ClinVar:

ClinVar aggregate classification (germline): Uncertain significance (1 of 4 stars; one submission).

Conditions:
Coffin-Siris syndrome 10. Also called: INTELLECTUAL DEVELOPMENTAL DISORDER WITH SPEECH DELAY AND DYSMORPHIC FACIES. Identifiers: MedGen C4760583, MONDO:0032791, OMIM 618506.

gnomAD v4.1: 1 of 1,403,358 alleles (0.000071%); highest among the groups gnomAD compares: Non-Finnish European, 0.000093%; no homozygotes.

Submission:

Baylor Genetics
Classification: Uncertain significance for Coffin-Siris syndrome 10. Last evaluated: 2019-09-30. Review status: criteria provided, single submitter. Criteria: ACMG Guidelines, 2015. Collection method: clinical testing. Allele origin: unknown. Affected: yes.
Comment: This variant was determined to be of uncertain significance according to ACMG Guidelines, 2015 [PMID:25741868].

NM_003107.3(SOX4):c.746C>A (p.Pro249His)

Gene: SOX4 (SRY-box transcription factor 4; plus strand). Cytogenetic location: 6p22.3.
Variant type: single nucleotide variant.
Coding change: c.746C>A on transcript NM_003107.3 (MANE Select); coding-DNA position 746, C replaced by A.
Protein change: p.Pro249His; replaces proline 249 with histidine.
Molecular consequence: missense variant.
Genome position (GRCh38, 1-based): chr6:21,595,280, C>A. VCF-style: chr6-21595280-C-A. GRCh37 (hg19) VCF-style: chr6-21595511-C-A.
Other names: short protein forms P249H.
Identifiers: ClinVar variation 1029670 (VCV001029670.1), dbSNP rs1763113909, ClinGen allele CA363271241.